The following is an entry in ClinVar:

ClinVar aggregate classification (germline): Uncertain significance. Review status: criteria provided, multiple submitters, no conflicts (2 of 4 stars). 3 submissions from 3 submitters: Uncertain significance (3). Last evaluated 2023-05-11.

Conditions:
Cardiovascular phenotype. Identifiers: MedGen CN230736.
Alstrom syndrome (ALMS). Identifiers: Orphanet 64, MedGen C0268425, MONDO:0008763, OMIM 203800.

Allele frequency attached by ClinVar (database versions not stated): ExAC 0.00001; gnomAD exomes 0.00001 and 0.00002.
gnomAD v4.1: 26 of 1,613,682 alleles (0.0016%); highest among the groups gnomAD compares: Non-Finnish European, 0.0022%; no homozygotes.

Submissions (3):

Ambry Genetics
Classification: Uncertain significance for Cardiovascular phenotype. Last evaluated: 2023-05-11. Review status: criteria provided, single submitter. Criteria: Ambry Variant Classification Scheme 2023. Collection method: clinical testing. Allele origin: germline.
Comment: The p.N135D variant (also known as c.403A>G), located in coding exon 2 of the ALMS1 gene, results from an A to G substitution at nucleotide position 403. The asparagine at codon 135 is replaced by aspartic acid, an amino acid with highly similar properties. This amino acid position is not well conserved in available vertebrate species. In addition, this alteration is predicted to be tolerated by in silico analysis. Since supporting evidence is limited at this time, the clinical significance of this alteration remains unclear.

Labcorp Genetics (formerly Invitae), Labcorp
Classification: Uncertain significance for Alstrom syndrome. Last evaluated: 2022-07-06. Review status: criteria provided, single submitter. Criteria: Invitae Variant Classification Sherloc (09022015). Collection method: clinical testing. Allele origin: germline.
Comment: This sequence change replaces asparagine with aspartic acid at codon 135 of the ALMS1 protein (p.Asn135Asp). The asparagine residue is weakly conserved and there is a small physicochemical difference between asparagine and aspartic acid. This variant is present in population databases (rs780314593, gnomAD 0.002%). This variant has not been reported in the literature in individuals affected with ALMS1-related conditions. ClinVar contains an entry for this variant (Variation ID: 1305501). Experimental studies and prediction algorithms are not available or were not evaluated, and the functional significance of this variant is currently unknown. In summary, the available evidence is currently insufficient to determine the role of this variant in disease. Therefore, it has been classified as a Variant of Uncertain Significance.

GeneDx
Classification: Uncertain significance. Last evaluated: 2019-04-29. Review status: criteria provided, single submitter. Criteria: GeneDx Variant Classification Process June 2021. Collection method: clinical testing. Allele origin: germline. Affected: yes.
Comment: Not observed at a significant frequency in large population cohorts (Lek et al., 2016); In silico analysis, which includes protein predictors and evolutionary conservation, supports that this variant does not alter protein structure/function; Has not been previously published as pathogenic or benign to our knowledge

NM_001378454.1(ALMS1):c.400A>G (p.Asn134Asp)

Gene: ALMS1 (ALMS1 centrosome and basal body associated protein; plus strand). Cytogenetic location: 2p13.1.
Variant type: single nucleotide variant.
Coding change: c.400A>G on transcript NM_001378454.1 (MANE Select); coding-DNA position 400, A replaced by G.
Protein change: p.Asn134Asp; replaces asparagine 134 with aspartic acid.
Molecular consequence: missense variant.
Genome position (GRCh38, 1-based): chr2:73,408,697, A>G. VCF-style: chr2-73408697-A-G. GRCh37 (hg19) VCF-style: chr2-73635825-A-G.
Other names: c.403A>G, p.Asn135Asp (NM_015120.4); short protein forms N134D, N135D.
Identifiers: ClinVar variation 1305501 (VCV001305501.7), dbSNP rs780314593, ClinGen allele CA1712826.